The following is an entry in ClinVar:

ClinVar aggregate classification (germline): Conflicting classifications of pathogenicity. Review status: criteria provided, conflicting classifications (1 of 4 stars). 5 submissions from 4 submitters: Uncertain significance (2); Likely benign (3). Last evaluated 2025-08-12.

Conditions:
Hypercholesterolemia, autosomal dominant, type B (FHCL2). Also called: Familial hypercholesterolemia 2; Familial Hypercholesterolemia Type B; APOLIPOPROTEIN B-100, FAMILIAL DEFECTIVE; APOLIPOPROTEIN B-100, FAMILIAL LIGAND-DEFECTIVE; HYPERCHOLESTEROLEMIA, FAMILIAL, DUE TO LIGAND-DEFECTIVE APOLIPOPROTEIN B; APOB-Related Familial Hypercholesterolemia, Autosomal Dominant. Identifiers: MedGen C1704417, MONDO:0007751, OMIM 144010.
Familial hypobetalipoproteinemia 1. Also called: Hypobetalipoproteinemia, normotriglyceridemic; Acanthocytosis with hypobetalipoproteinemia; APOB-Related Familial Hypobetalipoproteinemia. Identifiers: MedGen C4551990, MONDO:0014252, OMIM 615558.
Familial hypercholesterolemia. Also called: Familial hypercholesterolaemia; Familial hypercholesterolemias. Identifiers: MedGen C0020445, MONDO:0005439.
Cardiovascular phenotype. Identifiers: MedGen CN230736.

Allele frequency attached by ClinVar (database versions not stated): TOPMed 0.00001; gnomAD 0.00003.
gnomAD v4.1: 5 of 1,613,888 alleles (0.00031%); highest among the groups gnomAD compares: Non-Finnish European, 0.00042%; no homozygotes.

Submissions (5):

Ambry Genetics
Classification: Likely benign for Cardiovascular phenotype. Last evaluated: 2025-08-12. Review status: criteria provided, single submitter. Criteria: Ambry Variant Classification Scheme 2023. Collection method: clinical testing. Allele origin: germline.

GENinCode PLC
Classification: Likely benign for Familial hypercholesterolemia. Last evaluated: 2025-01-17. Review status: criteria provided, single submitter. Criteria: ACMG Guidelines, 2015. Collection method: clinical testing. Allele origin: germline.
Comment: This is a synonymous (silent) variant that is not predicted to impact splicing and occurs at a nucleotide which is not highly conserved. This variant has been classified as Likely Benign (BP4, BP7).

Labcorp Genetics (formerly Invitae), Labcorp
Classification: Likely benign for Familial hypobetalipoproteinemia 1; Hypercholesterolemia, autosomal dominant, type B. Last evaluated: 2021-05-20. Review status: criteria provided, single submitter. Criteria: Invitae Variant Classification Sherloc (09022015). Collection method: clinical testing. Allele origin: germline.

Illumina Laboratory Services, Illumina
Classification: Uncertain significance for Hypercholesterolemia, autosomal dominant, type B. Last evaluated: 2018-01-13. Review status: criteria provided, single submitter. Criteria: ICSL Variant Classification Criteria 13 December 2019. Collection method: clinical testing. Allele origin: germline.

Illumina Laboratory Services, Illumina
Classification: Uncertain significance for Familial hypobetalipoproteinemia 1. Last evaluated: 2018-01-13. Review status: criteria provided, single submitter. Criteria: ICSL Variant Classification Criteria 13 December 2019. Collection method: clinical testing. Allele origin: germline.

NM_000384.3(APOB):c.4968A>T (p.Ala1656=)

Gene: APOB (apolipoprotein B; minus strand). Cytogenetic location: 2p24.1.
Variant type: single nucleotide variant.
Coding change: c.4968A>T on transcript NM_000384.3 (MANE Select); coding-DNA position 4968, A replaced by T.
Protein change: p.Ala1656=; no amino-acid change (alanine 1656 retained).
Molecular consequence: synonymous variant.
Genome position (GRCh38, 1-based): chr2:21,011,900, T>A on the plus strand (A>T on the coding strand, the complement: APOB is on the minus strand). VCF-style: chr2-21011900-T-A. GRCh37 (hg19) VCF-style: chr2-21234772-T-A.
Identifiers: ClinVar variation 334138 (VCV000334138.10), dbSNP rs753643550, ClinGen allele CA061433.